The following is an entry in ClinVar:

NM_012434.5(SLC17A5):c.204del (p.Asp69fs)

Gene: SLC17A5 (solute carrier family 17 member 5; minus strand). Cytogenetic location: 6q13.
Variant type: Deletion.
Coding change: c.204del on transcript NM_012434.5 (MANE Select); coding-DNA position 204, one base deleted (A; older notation c.204delA).
Protein change: p.Asp69fs; shifts the reading frame from aspartic acid 69.
Molecular consequence: frameshift variant.
Genome position (GRCh38, 1-based): chr6:73,644,494, T deleted on the plus strand (A on the coding strand, the reverse complement: SLC17A5 is on the minus strand). VCF-style (leftmost placement, unchanged base first): chr6-73644493-CT-C. GRCh37 (hg19) VCF-style: chr6-74354216-CT-C.
Other names: short protein forms D69fs.
Identifiers: ClinVar variation 370514 (VCV000370514.5), dbSNP rs1057516549, ClinGen allele CA16041090.

ClinVar aggregate classification (germline): Pathogenic/Likely pathogenic. Review status: criteria provided, multiple submitters, no conflicts (2 of 4 stars). 3 submissions from 3 submitters: Pathogenic (1); Likely pathogenic (1). 1 of the submissions does not count toward it. Last evaluated 2026-01-19.

Conditions:
Salla disease (SD). Also called: Sialuria, Finnish type; N-acetylneuraminic acid (NANA) storage disease (NSD); Infantile sialic acid storage disorder (ISSD); Less Severe FSASD (Salla Disease). Identifiers: Orphanet 309334, Orphanet 834, MedGen C1096903, MONDO:0011449, OMIM 604369.

Allele frequency attached by ClinVar (database versions not stated): gnomAD exomes below 0.00001.

Submissions (3):

Labcorp Genetics (formerly Invitae), Labcorp
Classification: Pathogenic for Salla disease. Last evaluated: 2026-01-19. Review status: criteria provided, single submitter. Criteria: Invitae Variant Classification Sherloc (09022015). Collection method: clinical testing. Allele origin: germline.
Comment: This sequence change creates a premature translational stop signal (p.Asp69Ilefs*6) in the SLC17A5 gene. It is expected to result in an absent or disrupted protein product. Loss-of-function variants in SLC17A5 are known to be pathogenic (PMID: 10581036, 10947946, 15172001). This variant is present in population databases (no rsID available, gnomAD 0.003%). This variant has not been reported in the literature in individuals affected with SLC17A5-related conditions. ClinVar contains an entry for this variant (Variation ID: 370514). For these reasons, this variant has been classified as Pathogenic.

Natera, Inc.
Classification: Likely pathogenic for Salla disease. Last evaluated: 2025-01-16. Review status: criteria provided, single submitter. Criteria: Natera Variant Classification Schema (03/2026). Collection method: clinical testing. Allele origin: germline.
Comment: The c.204delA variant in SLC17A5 is a frameshift variant predicted to shift the reading frame beginning at codon 69 and leads to a stop codon 6 codons downstream. This variant is expected to result in nonsense mediated decay, truncation, or a dysfunctional protein product. This variant is rare in the general population with a frequency below the threshold expected for the associated phenotype(s). Given the available evidence, this variant is classified as Likely Pathogenic.

Counsyl
Classification: Likely pathogenic for Salla disease. Last evaluated: 2016-02-22. Review status: no assertion criteria provided. Collection method: clinical testing. Allele origin: unknown. Not counted in ClinVar's aggregate classification.

Literature cited by the submitters: PubMed 10581036 (cited by Labcorp Genetics (formerly Invitae), Labcorp); PubMed 10947946 (cited by Labcorp Genetics (formerly Invitae), Labcorp); PubMed 15172001 (cited by Labcorp Genetics (formerly Invitae), Labcorp).